The following is an entry in ClinVar:

NM_001903.5(CTNNA1):c.643C>G (p.Gln215Glu)

Gene: CTNNA1 (catenin alpha 1; plus strand). Cytogenetic location: 5q31.2.
Variant type: single nucleotide variant.
Coding change: c.643C>G on transcript NM_001903.5 (MANE Select); coding-DNA position 643, C replaced by G.
Protein change: p.Gln215Glu; replaces glutamine 215 with glutamic acid.
Molecular consequence: missense variant.
Genome position (GRCh38, 1-based): chr5:138,824,584, C>G. VCF-style: chr5-138824584-C-G. GRCh37 (hg19) VCF-style: chr5-138160273-C-G.
Other names: c.643C>G, p.Gln215Glu (NM_001290307.3, NM_001323982.2, NM_001323983.1 and 3 more transcripts); c.334C>G, p.Gln112Glu (NM_001290309.3); c.274C>G, p.Gln92Glu (NM_001290310.3); short protein forms Q92E, Q112E, Q215E.
Identifiers: ClinVar variation 4635628 (VCV004635628.1).

ClinVar aggregate classification (germline): Uncertain significance (1 of 4 stars; one submission).

Conditions:
Hereditary cancer-predisposing syndrome. Also called: Neoplastic Syndromes, Hereditary; Tumor predisposition; Hereditary Cancer Syndrome; Hereditary neoplastic syndrome. Identifiers: Orphanet 140162, MedGen C0027672, MeSH D009386, MONDO:0015356.

Submission:

Ambry Genetics
Classification: Uncertain significance for Hereditary cancer-predisposing syndrome. Last evaluated: 2025-12-11. Review status: criteria provided, single submitter. Criteria: Ambry Variant Classification Scheme 2023. Collection method: clinical testing. Allele origin: germline.
Comment: The p.Q215E variant (also known as c.643C>G), located in coding exon 5 of the CTNNA1 gene, results from a C to G substitution at nucleotide position 643. The glutamine at codon 215 is replaced by glutamic acid, an amino acid with highly similar properties. This amino acid position is conserved. In addition, this alteration is predicted to be tolerated by in silico analysis. Based on the available evidence, the clinical significance of this variant remains unclear.